The following is an entry in ClinVar:

ClinVar aggregate classification (germline): Likely benign (0 of 4 stars; one submission).

Conditions:
SIM1-related disorder. Also called: SIM1-related disorders; SIM1-related condition.

Allele frequency attached by ClinVar (database versions not stated): ExAC 0.00001; gnomAD exomes 0.00001; gnomAD 0.00003; 1000 Genomes Project 30x 0.00031; 1000 Genomes Project 0.00040.

Submission:

PreventionGenetics, part of Exact Sciences
Classification: Likely benign for SIM1-related condition. Last evaluated: 2020-12-15. Review status: no assertion criteria provided. Collection method: clinical testing. Allele origin: germline.
Comment: This variant is classified as likely benign based on ACMG/AMP sequence variant interpretation guidelines (Richards et al. 2015 PMID: 25741868, with internal and published modifications).

NM_005068.3(SIM1):c.1492C>T (p.Leu498=)

Genes: SIM1 (SIM bHLH transcription factor 1; minus strand), SIM1-AS1 (SIM1 antisense RNA 1; plus strand). Cytogenetic location: 6q16.3.
Variant type: single nucleotide variant.
Coding change: c.1492C>T on transcript NM_005068.3 (MANE Select); coding-DNA position 1492, C replaced by T.
Protein change: p.Leu498=; no amino-acid change (leucine 498 retained).
Molecular consequence: synonymous variant. On other transcripts: non-coding transcript variant (1).
Genome position (GRCh38, 1-based): chr6:100,393,565, G>A on the plus strand (C>T on the coding strand, the complement: SIM1 is on the minus strand). VCF-style: chr6-100393565-G-A. GRCh37 (hg19) VCF-style: chr6-100841441-G-A.
Other names: c.1492C>T, p.Leu498= (NM_001374769.1).
Identifiers: ClinVar variation 3058253 (VCV003058253.2), dbSNP rs200610367, ClinGen allele CA3937008.